The following is an entry in ClinVar:

NM_001370259.2(MEN1):c.1670del (p.Lys557fs)

Gene: MEN1 (menin 1; minus strand). Cytogenetic location: 11q13.1.
Variant type: Deletion.
Coding change: c.1670del on transcript NM_001370259.2 (MANE Select); coding-DNA position 1670, one base deleted (A; older notation c.1670delA).
Protein change: p.Lys557fs; shifts the reading frame from lysine 557.
Molecular consequence: frameshift variant.
Genome position (GRCh38, 1-based): chr11:64,804,497, T deleted on the plus strand (A on the coding strand, the reverse complement: MEN1 is on the minus strand); the first of 2 consecutive T bases (chr11:64,804,497-64,804,498); deleting either gives the same sequence. VCF-style (leftmost placement, unchanged base first): chr11-64804496-CT-C. GRCh37 (hg19) VCF-style: chr11-64571968-CT-C.
Other names: c.1685del, p.Lys562fs (NM_000244.4, NM_130800.3, NM_130801.3 and 3 more transcripts); c.1796del, p.Lys599fs (NM_001370251.2); c.1670del, p.Lys557fs (NM_001370260.2, NM_001370261.2, NM_130799.3); c.1565del, p.Lys522fs (NM_001370262.2, NM_001370263.2); c.1670delA (NM_130799.2); short protein forms K557fs, K522fs, K562fs, K599fs.
Identifiers: ClinVar variation 666173 (VCV000666173.10), dbSNP rs1592630079, ClinGen allele CA915948596.

ClinVar aggregate classification (germline): Pathogenic. Review status: criteria provided, multiple submitters, no conflicts (2 of 4 stars). 3 submissions from 3 submitters: Pathogenic (3). Last evaluated 2026-09-16.

Conditions:
Hereditary cancer-predisposing syndrome. Also called: Hereditary Cancer Syndrome; Hereditary neoplastic syndrome; Neoplastic Syndromes, Hereditary; Tumor predisposition. Identifiers: Orphanet 140162, MedGen C0027672, MeSH D009386, MONDO:0015356.
Multiple endocrine neoplasia, type 1 (MEN1). Also called: MEA I; MEN I; WERMER SYNDROME; Endocrine adenomatosis multiple; MEN 1. Identifiers: Orphanet 652, MedGen C0025267, MeSH D018761, MONDO:0007540, OMIM 131100.

Submissions (3):

Myriad Genetics, Inc.
Classification: Pathogenic for Multiple endocrine neoplasia, type 1. Last evaluated: 2026-09-16. Review status: criteria provided, single submitter. Criteria: Myriad Autosomal Dominant, Autosomal Recessive and X-Linked Classification Criteria (2023). Collection method: clinical testing. Allele origin: unknown.
Comment: This variant is considered pathogenic. This variant creates a frameshift predicted to result in premature protein truncation.

Ambry Genetics
Classification: Pathogenic for Hereditary cancer-predisposing syndrome. Last evaluated: 2025-11-17. Review status: criteria provided, single submitter. Criteria: Ambry Variant Classification Scheme 2023. Collection method: clinical testing. Allele origin: germline.
Comment: The c.1670delA pathogenic mutation, located in coding exon 9 of the MEN1 gene, results from a deletion of one nucleotide at nucleotide position 1670, causing a translational frameshift with a predicted alternate stop codon (p.K557Rfs*2). This alteration occurs at the 3' terminus of the gene, is not expected to trigger nonsense-mediated mRNA decay, and impacts the last 8% of the protein. However, premature stop codons are typically deleterious in nature and the impacted region is critical for protein function (Ambry internal data). This variant was reported in individual(s) with features consistent with multiple endocrine neoplasia type 1 (MEN1) (Ambry internal data). This variant is considered to be rare based on population cohorts in the Genome Aggregation Database (gnomAD). Based on the supporting evidence, this variant is interpreted as a disease-causing mutation.

Labcorp Genetics (formerly Invitae), Labcorp
Classification: Pathogenic for Multiple endocrine neoplasia, type 1. Last evaluated: 2018-12-04. Review status: criteria provided, single submitter. Criteria: Invitae Variant Classification Sherloc (09022015). Collection method: clinical testing. Allele origin: germline.
Comment: For these reasons, this variant has been classified as Pathogenic. This variant disrupts the C-terminus of the MEN1 protein. Other variant(s) that disrupt this region (p.Lys559Glufs*38) have been determined to be pathogenic (PMID: 10090472, Invitae). This suggests that variants that disrupt this region of the protein are likely to be causative of disease. This frameshift change truncates the functionally conserved NLS2 domain of the MEN1 protein. Experimental studies have shown that disruption of this region abrogates the ability of MEN1 to bind DNA, regulate target gene expression, and inhibit cell proliferation (PMID: 15331604, 16449969). This variant has not been reported in the literature in individuals with MEN1-related conditions. This variant is not present in population databases (ExAC no frequency). This sequence change results in a premature translational stop signal in the MEN1 gene (p.Lys557Argfs*2). While this is not anticipated to result in nonsense mediated decay, it is expected to disrupt the last 54 amino acids of the MEN1 protein.

Literature cited by the submitters: PubMed 10090472 (cited by Labcorp Genetics (formerly Invitae), Labcorp); PubMed 15331604 (cited by Labcorp Genetics (formerly Invitae), Labcorp); PubMed 16449969 (cited by Labcorp Genetics (formerly Invitae), Labcorp).